The following is an entry in ClinVar:

ClinVar aggregate classification (germline): Uncertain significance (1 of 4 stars; one submission).

Allele frequency attached by ClinVar (database versions not stated): TOPMed below 0.00001.
gnomAD v4.1: 4 of 1,613,700 alleles (0.00025%); highest among the groups gnomAD compares: African/African-American, 0.0027%; no homozygotes.

Submission:

Labcorp Genetics (formerly Invitae), Labcorp
Classification: Uncertain significance. Last evaluated: 2025-06-12. Review status: criteria provided, single submitter. Criteria: Invitae Variant Classification Sherloc (09022015). Collection method: clinical testing. Allele origin: germline.
Comment: This sequence change replaces alanine, which is neutral and non-polar, with valine, which is neutral and non-polar, at codon 843 of the CRB2 protein (p.Ala843Val). This variant is not present in population databases (gnomAD no frequency). This variant has not been reported in the literature in individuals affected with CRB2-related conditions. ClinVar contains an entry for this variant (Variation ID: 2994982). Invitae Evidence Modeling of protein sequence and biophysical properties (such as structural, functional, and spatial information, amino acid conservation, physicochemical variation, residue mobility, and thermodynamic stability) has been performed for this missense variant. However, the output from this modeling did not meet the statistical confidence thresholds required to predict the impact of this variant on CRB2 protein function. In summary, the available evidence is currently insufficient to determine the role of this variant in disease. Therefore, it has been classified as a Variant of Uncertain Significance.

NM_173689.7(CRB2):c.2528C>T (p.Ala843Val)

Gene: CRB2 (crumbs cell polarity complex component 2; plus strand). Cytogenetic location: 9q33.3.
Variant type: single nucleotide variant.
Coding change: c.2528C>T on transcript NM_173689.7 (MANE Select); coding-DNA position 2528, C replaced by T.
Protein change: p.Ala843Val; replaces alanine 843 with valine.
Molecular consequence: missense variant. On other transcripts: non-coding transcript variant (1).
Genome position (GRCh38, 1-based): chr9:123,372,268, C>T. VCF-style: chr9-123372268-C-T. GRCh37 (hg19) VCF-style: chr9-126134547-C-T.
Other names: short protein forms A843V.
Identifiers: ClinVar variation 2994982 (VCV002994982.3), dbSNP rs760625103, ClinGen allele CA199638031.
Genomic context (GRCh38, chr9:123,372,268, plus strand): 5'-TCGTCACCTGGAATGACTTCCACTGTACCTGCCCTGCCAATTTCACGGGGCCTACGTGTG[C>T]CCAGCAGCTGTGGTGTCCCGGCCAGCCCTGTCTCCCACCTGCCACGTGTGAGGAGGTCCC-3'
Protein context (NP_775960.4, residues 833-853): CPANFTGPTC[Ala843Val]QQLWCPGQPC